The following is an entry in ClinVar:

ClinVar aggregate classification (germline): Uncertain significance (1 of 4 stars; one submission).

Conditions:
Cardiovascular phenotype. Identifiers: MedGen CN230736.

gnomAD v4.1: 1 of 1,613,948 alleles (0.000062%); highest among the groups gnomAD compares: Non-Finnish European, 0.000085%; no homozygotes.

Submission:

Ambry Genetics
Classification: Uncertain significance for Cardiovascular phenotype. Last evaluated: 2025-05-14. Review status: criteria provided, single submitter. Criteria: Ambry Variant Classification Scheme 2023. Collection method: clinical testing. Allele origin: germline.
Comment: The p.Y309C variant (also known as c.926A>G), located in coding exon 6 of the ABCG8 gene, results from an A to G substitution at nucleotide position 926. The tyrosine at codon 309 is replaced by cysteine, an amino acid with highly dissimilar properties. This amino acid position is conserved. In addition, this alteration is predicted to be tolerated by in silico analysis. Based on the available evidence, the clinical significance of this variant remains unclear.

NM_022437.3(ABCG8):c.926A>G (p.Tyr309Cys)

Gene: ABCG8 (ATP binding cassette subfamily G member 8; plus strand). Cytogenetic location: 2p21.
Variant type: single nucleotide variant.
Coding change: c.926A>G on transcript NM_022437.3 (MANE Select); coding-DNA position 926, A replaced by G.
Protein change: p.Tyr309Cys; replaces tyrosine 309 with cysteine.
Molecular consequence: missense variant.
Genome position (GRCh38, 1-based): chr2:43,852,830, A>G. VCF-style: chr2-43852830-A-G. GRCh37 (hg19) VCF-style: chr2-44079969-A-G.
Other names: c.926A>G, p.Tyr309Cys (NM_001357321.2); short protein forms Y309C.
Identifiers: ClinVar variation 3992651 (VCV003992651.1).